The following is an entry in ClinVar:

ClinVar aggregate classification (germline): Pathogenic (1 of 4 stars; one submission).

Conditions:
Primary ciliary dyskinesia. Also called: Ciliary dyskinesia. Identifiers: Orphanet 244, MedGen C0008780, MONDO:0016575, HP:0012265.

Submission:

Labcorp Genetics (formerly Invitae), Labcorp
Classification: Pathogenic for Primary ciliary dyskinesia. Last evaluated: 2025-03-23. Review status: criteria provided, single submitter. Criteria: Invitae Variant Classification Sherloc (09022015). Collection method: clinical testing. Allele origin: germline.
Comment: This sequence change creates a premature translational stop signal (p.Glu565Lysfs*4) in the DNAH8 gene. It is expected to result in an absent or disrupted protein product. Loss-of-function variants in DNAH8 are known to be pathogenic (PMID: 24307375, 32619401, 32681648). This variant is not present in population databases (gnomAD no frequency). This variant has not been reported in the literature in individuals affected with DNAH8-related conditions. For these reasons, this variant has been classified as Pathogenic.

Literature cited by the submitters: PubMed 24307375; PubMed 32619401; PubMed 32681648.

NM_001206927.2(DNAH8):c.1689_1690del (p.Glu565fs)

Gene: DNAH8 (dynein axonemal heavy chain 8; plus strand). Cytogenetic location: 6p21.2.
Variant type: Deletion.
Coding change: c.1689_1690del on transcript NM_001206927.2 (MANE Select); coding-DNA positions 1689 to 1690, 2 bases deleted (AG; older notation c.1689_1690delAG).
Protein change: p.Glu565fs; shifts the reading frame from glutamic acid 565.
Molecular consequence: frameshift variant.
Genome position (GRCh38, 1-based): chr6:38,770,484-38,770,485, AG deleted. VCF-style (leftmost placement, unchanged base first): chr6-38770483-CAG-C. GRCh37 (hg19) VCF-style: chr6-38738259-CAG-C.
Other names: c.1038_1039del, p.Glu348fs (NM_001371.4); short protein forms E348fs, E565fs.
Identifiers: ClinVar variation 4811765 (VCV004811765.1).